The following is an entry in ClinVar:

ClinVar aggregate classification (germline): Conflicting classifications of pathogenicity. Review status: criteria provided, conflicting classifications (1 of 4 stars). 3 submissions from 3 submitters: Uncertain significance (2); Likely benign (1). Last evaluated 2018-03-01.

Conditions:
Dilated cardiomyopathy 1G (CMD1G). Identifiers: Orphanet 154, MedGen C1858763, MONDO:0011400, OMIM 604145.
Autosomal recessive limb-girdle muscular dystrophy type 2J (LGMDR10). Also called: Limb-girdle muscular dystrophy, type 2J; MUSCULAR DYSTROPHY, LIMB-GIRDLE, AUTOSOMAL RECESSIVE 10. Identifiers: Orphanet 140922, MedGen C1837342, MONDO:0012127, OMIM 608807.

Allele frequency attached by ClinVar (database versions not stated): TOPMed below 0.00001.
gnomAD v4.1: 7 of 1,612,442 alleles (0.00043%); highest among the groups gnomAD compares: Non-Finnish European, 0.00059%; no homozygotes.

Submissions (3):

GeneDx
Classification: Likely benign. Last evaluated: 2018-03-01. Review status: criteria provided, single submitter. Criteria: GeneDx Variant Classification (06012015). Collection method: clinical testing. Allele origin: germline. Affected: yes.
Comment: This variant is considered likely benign or benign based on one or more of the following criteria: it is a conservative change, it occurs at a poorly conserved position in the protein, it is predicted to be benign by multiple in silico algorithms, and/or has population frequency not consistent with disease.

Labcorp Genetics (formerly Invitae), Labcorp
Classification: Uncertain significance for Dilated cardiomyopathy 1G; Autosomal recessive limb-girdle muscular dystrophy type 2J. Last evaluated: 2017-09-28. Review status: criteria provided, single submitter. Criteria: Invitae Variant Classification Sherloc (09022015). Collection method: clinical testing. Allele origin: germline.

Biesecker Lab/Clinical Genomics Section, National Institutes of Health
Classification: Uncertain significance. Last evaluated: 2013-06-24. Review status: criteria provided, single submitter. Criteria: Ng et al. (Circ Cardiovasc Genet. 2013). Collection method: research. Allele origin: unknown. Observed: 1 variant allele. Study: ClinSeq.
Comment: The study set was not selected for affection status in relation to any cancer. Pathogenicity categories were based on literature curation. See Pubmed ID:23861362 for details.

Medical sequencing

NM_001267550.2(TTN):c.21378A>C (p.Glu7126Asp)

Genes: TTN (titin; minus strand), LOC126806428 (BRD4-independent group 4 enhancer GRCh37_chr2:179588362-179589561; plus strand). Cytogenetic location: 2q31.2.
Variant type: single nucleotide variant.
Coding change: c.21378A>C on transcript NM_001267550.2 (MANE Select); coding-DNA position 21378, A replaced by C.
Protein change: p.Glu7126Asp; replaces glutamic acid 7126 with aspartic acid.
Molecular consequence: missense variant. On other transcripts: intron variant (3).
Genome position (GRCh38, 1-based): chr2:178,723,881, T>G on the plus strand (A>C on the coding strand, the complement: TTN is on the minus strand). VCF-style: chr2-178723881-T-G. GRCh37 (hg19) VCF-style: chr2-179588608-T-G.
Other names: c.20427A>C, p.Glu6809Asp (NM_001256850.1); c.17646A>C, p.Glu5882Asp (NM_133378.4); c.13282+14201A>C (NM_003319.4); c.13858+14201A>C (NM_133437.4); c.13657+14201A>C (NM_133432.3); short protein forms E5882D, E7126D, E6809D.
Identifiers: ClinVar variation 192015 (VCV000192015.3), dbSNP rs786205315, ClinGen allele CA238108.